The following is an entry in ClinVar:

ClinVar aggregate classification (germline): Uncertain significance (1 of 4 stars; one submission).

Conditions:
Neurodevelopmental disorder with or without hyperkinetic movements and seizures, autosomal dominant. Also called: Intellectual disability, autosomal dominant 8. Identifiers: MedGen C3280282, MONDO:0013655, OMIM 614254.

Allele frequency attached by ClinVar (database versions not stated): gnomAD exomes below 0.00001.
gnomAD v4.1: 1 of 1,612,738 alleles (0.000062%); highest among the groups gnomAD compares: Non-Finnish European, 0.000085%; no homozygotes.

Submission:

Labcorp Genetics (formerly Invitae), Labcorp
Classification: Uncertain significance for Neurodevelopmental disorder with or without hyperkinetic movements and seizures, autosomal dominant. Last evaluated: 2023-10-28. Review status: criteria provided, single submitter. Criteria: Invitae Variant Classification Sherloc (09022015). Collection method: clinical testing. Allele origin: germline.
Comment: This sequence change replaces arginine, which is basic and polar, with glutamine, which is neutral and polar, at codon 468 of the GRIN1 protein (p.Arg468Gln). This variant is not present in population databases (gnomAD no frequency). This variant has not been reported in the literature in individuals affected with GRIN1-related conditions. ClinVar contains an entry for this variant (Variation ID: 1008018). Advanced modeling of protein sequence and biophysical properties (such as structural, functional, and spatial information, amino acid conservation, physicochemical variation, residue mobility, and thermodynamic stability) has been performed at Invitae for this missense variant, however the output from this modeling did not meet the statistical confidence thresholds required to predict the impact of this variant on GRIN1 protein function. In summary, the available evidence is currently insufficient to determine the role of this variant in disease. Therefore, it has been classified as a Variant of Uncertain Significance.

NM_007327.4(GRIN1):c.1403G>A (p.Arg468Gln)

Gene: GRIN1 (glutamate ionotropic receptor NMDA type subunit 1; plus strand). Cytogenetic location: 9q34.3.
Variant type: single nucleotide variant.
Coding change: c.1403G>A on transcript NM_007327.4 (MANE Select); coding-DNA position 1403, G replaced by A.
Protein change: p.Arg468Gln; replaces arginine 468 with glutamine.
Molecular consequence: missense variant.
Genome position (GRCh38, 1-based): chr9:137,161,352, G>A. VCF-style: chr9-137161352-G-A. GRCh37 (hg19) VCF-style: chr9-140055804-G-A.
Other names: c.1403G>A, p.Arg468Gln (NM_000832.7, NM_021569.4); c.1466G>A, p.Arg489Gln (NM_001185090.2, NM_001185091.2); short protein forms R468Q, R489Q.
Identifiers: ClinVar variation 1008018 (VCV001008018.11), dbSNP rs1833531221, ClinGen allele CA375716636.
Genomic context (GRCh38, chr9:137,161,352, plus strand): 5'-GCCACACGGTGCCTCAGTGTTGCTACGGCTTTTGCATCGACCTGCTCATCAAGCTGGCAC[G>A]GACCATGAACTTCACCTACGAGGTGCACCTGGTGGCAGATGGCAAGTTCGGCACACAGGA-3'
Protein context (NP_015566.1, residues 458-478): FCIDLLIKLA[Arg468Gln]TMNFTYEVHL